The following is an entry in ClinVar:

NM_001083961.2(WDR62):c.1371+92T>C

Gene: WDR62 (WD repeat domain 62; plus strand). Cytogenetic location: 19q13.12.
Variant type: single nucleotide variant.
Coding change: c.1371+92T>C on transcript NM_001083961.2 (MANE Select); 92 bases into the intron after coding-DNA position 1371, T replaced by C.
Molecular consequence: intron variant.
Genome position (GRCh38, 1-based): chr19:36,081,662, T>C. VCF-style: chr19-36081662-T-C. GRCh37 (hg19) VCF-style: chr19-36572564-T-C.
Other names: c.1371+92T>C (NM_173636.5).
Identifiers: ClinVar variation 672329 (VCV000672329.2), dbSNP rs7246292, ClinGen allele CA14641828.

ClinVar aggregate classification (germline): Benign. Review status: criteria provided, multiple submitters, no conflicts (2 of 4 stars). 2 submissions from 2 submitters: Benign (2). Last evaluated 2018-06-19.

Allele frequency attached by ClinVar (database versions not stated): 1000 Genomes Project 30x 0.40568; 1000 Genomes Project 0.41294; TOPMed 0.41348; gnomAD 0.41461 and 0.41504; gnomAD exomes 0.45075.
gnomAD v4.1: 698,531 of 1,565,774 alleles (45%); highest among the groups gnomAD compares: East Asian, 59%; 159,331 homozygotes.

Submissions (2):

GeneDx
Classification: Benign. Last evaluated: 2018-06-19. Review status: criteria provided, single submitter. Criteria: GeneDx Variant Classification (06012015). Collection method: clinical testing. Allele origin: germline. Affected: yes.
Comment: This variant is considered likely benign or benign based on one or more of the following criteria: it is a conservative change, it occurs at a poorly conserved position in the protein, it is predicted to be benign by multiple in silico algorithms, and/or has population frequency not consistent with disease.

Breakthrough Genomics
Classification: Benign. Review status: criteria provided, single submitter. Criteria: ACMG Guidelines, 2015. Collection method: not provided. Allele origin: germline. Inheritance: Autosomal recessive inheritance. Affected: yes.